The following is an entry in ClinVar:

NM_001037.5(SCN1B):c.652dup (p.Glu218fs)

Gene: SCN1B (sodium voltage-gated channel beta subunit 1; plus strand). Cytogenetic location: 19q13.11.
Variant type: Duplication.
Coding change: c.652dup on transcript NM_001037.5 (MANE Select); coding-DNA position 652, one base duplicated (G; older notation c.652dupG).
Protein change: p.Glu218fs; shifts the reading frame from glutamic acid 218.
Molecular consequence: frameshift variant.
Genome position (GRCh38, 1-based): chr19:35,039,696, G duplicated. VCF-style (leftmost placement, unchanged base first): chr19-35039695-C-CG. GRCh37 (hg19) VCF-style: chr19-35530599-C-CG.
Other names: c.553dup, p.Glu185fs (NM_001321605.2); short protein forms E185fs, E218fs.
Identifiers: ClinVar variation 4975345 (VCV004975345.1).
Genomic context (GRCh38, chr19:35,039,695, plus strand): 5'-CTCGGAATACCTGGCCATCACCTCTGAAAGCAAAGAGAACTGCACGGGCGTCCAGGTGGC[C>CG]GAATAGCCCTGGTAAGGCGGATGGGCTGGCAGAGGGGAAGGGGATTGGGAGGGGCCGAAG-3'

ClinVar aggregate classification (germline): Uncertain significance (1 of 4 stars; one submission).

Submission:

GeneDx
Classification: Uncertain significance. Last evaluated: 2026-01-21. Review status: criteria provided, single submitter. Criteria: GeneDx Variant Classification Process June 2021. Collection method: clinical testing. Allele origin: germline.
Comment: Not observed at significant frequency in large population cohorts (gnomAD); Frameshift variant predicted to result in abnormal protein length as the last 1 amino acid(s) are replaced with 15 different amino acid(s); Has not been previously published as pathogenic or benign to our knowledge